The following is an entry in ClinVar:

ClinVar aggregate classification (germline): Uncertain significance (1 of 4 stars; one submission).

Allele frequency attached by ClinVar (database versions not stated): TOPMed 0.00004; gnomAD 0.00009.
gnomAD v4.1: 19 of 1,614,130 alleles (0.0012%); highest among the groups gnomAD compares: Admixed American, 0.032%; no homozygotes.

Submission:

Labcorp Genetics (formerly Invitae), Labcorp
Classification: Uncertain significance. Last evaluated: 2024-12-31. Review status: criteria provided, single submitter. Criteria: Invitae Variant Classification Sherloc (09022015). Collection method: clinical testing. Allele origin: germline.
Comment: This sequence change replaces leucine, which is neutral and non-polar, with valine, which is neutral and non-polar, at codon 130 of the IL18BP protein (p.Leu130Val). This variant is present in population databases (no rsID available, gnomAD 0.01%). This variant has not been reported in the literature in individuals affected with IL18BP-related conditions. ClinVar contains an entry for this variant (Variation ID: 2089259). An algorithm developed to predict the effect of missense changes on protein structure and function (PolyPhen-2) suggests that this variant is likely to be disruptive. In summary, the available evidence is currently insufficient to determine the role of this variant in disease. Therefore, it has been classified as a Variant of Uncertain Significance.

NM_001039660.2(IL18BP):c.388C>G (p.Leu130Val)

Gene: IL18BP (interleukin 18 binding protein; plus strand). Cytogenetic location: 11q13.4.
Variant type: single nucleotide variant.
Coding change: c.388C>G on transcript NM_001039660.2 (MANE Select); coding-DNA position 388, C replaced by G.
Protein change: p.Leu130Val; replaces leucine 130 with valine.
Molecular consequence: missense variant. On other transcripts: intron variant (2).
Genome position (GRCh38, 1-based): chr11:72,001,433, C>G. VCF-style: chr11-72001433-C-G. GRCh37 (hg19) VCF-style: chr11-71712479-C-G.
Other names: c.388C>G, p.Leu130Val (NM_001039659.2, NM_001145057.1, NM_005699.3 and 1 more transcripts); c.379+9C>G (NM_173044.3); c.236-351C>G (NM_001145055.1); short protein forms L130V.
Identifiers: ClinVar variation 2089259 (VCV002089259.4), dbSNP rs1359180883, ClinGen allele CA381723062.